The following is an entry in ClinVar:

ClinVar aggregate classification (germline): Uncertain significance. Review status: criteria provided, multiple submitters, no conflicts (2 of 4 stars). 2 submissions from 2 submitters: Uncertain significance (2). Last evaluated 2026-08-29.

Conditions:
Cardiovascular phenotype. Identifiers: MedGen CN230736.
Dilated cardiomyopathy 1O (CMD1O). Also called: CARDIOMYOPATHY, DILATED, WITH VENTRICULAR TACHYCARDIA. Identifiers: Orphanet 154, MedGen C1837839, MONDO:0012062, OMIM 608569.

Allele frequency attached by ClinVar (database versions not stated): gnomAD 0.00001.
gnomAD v4.1: 13 of 1,613,680 alleles (0.00081%); highest among the groups gnomAD compares: Non-Finnish European, 0.0011%; no homozygotes.

Submissions (2):

Ambry Genetics
Classification: Uncertain significance for Cardiovascular phenotype. Last evaluated: 2026-08-29. Review status: criteria provided, single submitter. Criteria: Ambry Variant Classification Scheme 2023. Collection method: clinical testing. Allele origin: germline.
Comment: The p.T1192A variant (also known as c.3574A>G), located in coding exon 29 of the ABCC9 gene, results from an A to G substitution at nucleotide position 3574. The threonine at codon 1192 is replaced by alanine, an amino acid with similar properties. This amino acid position is conserved. In addition, this alteration is predicted to be tolerated by in silico analysis. Based on the available evidence, the clinical significance of this variant remains unclear.

Labcorp Genetics (formerly Invitae), Labcorp
Classification: Uncertain significance for Dilated cardiomyopathy 1O. Last evaluated: 2025-07-13. Review status: criteria provided, single submitter. Criteria: Invitae Variant Classification Sherloc (09022015). Collection method: clinical testing. Allele origin: germline.
Comment: This sequence change replaces threonine, which is neutral and polar, with alanine, which is neutral and non-polar, at codon 1192 of the ABCC9 protein (p.Thr1192Ala). This variant is present in population databases (no rsID available, gnomAD 0.007%). This variant has not been reported in the literature in individuals affected with ABCC9-related conditions. ClinVar contains an entry for this variant (Variation ID: 464664). Invitae Evidence Modeling of protein sequence and biophysical properties (such as structural, functional, and spatial information, amino acid conservation, physicochemical variation, residue mobility, and thermodynamic stability) indicates that this missense variant is not expected to disrupt ABCC9 protein function with a negative predictive value of 95%. In summary, the available evidence is currently insufficient to determine the role of this variant in disease. Therefore, it has been classified as a Variant of Uncertain Significance.

NM_020297.4(ABCC9):c.3574A>G (p.Thr1192Ala)

Genes: ABCC9 (ATP binding cassette subfamily C member 9; minus strand), KCNJ8-AS1 (KCNJ8 antisense RNA 1; plus strand). Cytogenetic location: 12p12.1.
Variant type: single nucleotide variant.
Coding change: c.3574A>G on transcript NM_020297.4 (MANE Select); coding-DNA position 3574, A replaced by G.
Protein change: p.Thr1192Ala; replaces threonine 1192 with alanine.
Molecular consequence: missense variant.
Genome position (GRCh38, 1-based): chr12:21,829,053, T>C on the plus strand (A>G on the coding strand, the complement: ABCC9 is on the minus strand). VCF-style: chr12-21829053-T-C. GRCh37 (hg19) VCF-style: chr12-21981987-T-C.
Other names: c.3574A>G, p.Thr1192Ala (NM_001377273.1, NM_005691.4); c.2707A>G, p.Thr903Ala (NM_001377274.1); c.3574A>G (NM_005691.2); short protein forms T1192A, T903A.
Identifiers: ClinVar variation 464664 (VCV000464664.21), dbSNP rs1437273344, ClinGen allele CA384140362.
Genomic context (GRCh38, chr12:21,829,053, plus strand): 5'-GAAATAAGTAGGCAATGTTGTTTGTATCCGTCAGTTCCAGCATACGTTGTTTAAATCTGG[T>C]TTCATGCCTGCAGAAAACAAAAACACGATGTTAACCACACAACAGGAGAGGTAATAAGAA-3'
Protein context (NP_064693.2, residues 1182-1202): LTTIRAFRHE[Thr1192Ala]RFKQRMLELT